The following is an entry in ClinVar:

NM_173628.4(DNAH17):c.12168C>T (p.Asn4056=)

Gene: DNAH17 (dynein axonemal heavy chain 17; minus strand). Cytogenetic location: 17q25.3.
Variant type: single nucleotide variant.
Coding change: c.12168C>T on transcript NM_173628.4 (MANE Select); coding-DNA position 12168, C replaced by T.
Protein change: p.Asn4056=; no amino-acid change (asparagine 4056 retained).
Molecular consequence: synonymous variant.
Genome position (GRCh38, 1-based): chr17:78,434,086, G>A on the plus strand (C>T on the coding strand, the complement: DNAH17 is on the minus strand). VCF-style: chr17-78434086-G-A. GRCh37 (hg19) VCF-style: chr17-76430167-G-A.
Identifiers: ClinVar variation 3037601 (VCV003037601.2), dbSNP rs375982324, ClinGen allele CA8800167.

ClinVar aggregate classification (germline): Likely benign (0 of 4 stars; one submission).

Conditions:
DNAH17-related disorder. Also called: DNAH17-related condition.

Allele frequency attached by ClinVar (database versions not stated): ExAC 0.00004; ESP Exome Variant Server 0.00008.
gnomAD v4.1: 12 of 1,613,618 alleles (0.00074%); highest among the groups gnomAD compares: South Asian, 0.0011%; no homozygotes.

Submission:

PreventionGenetics, part of Exact Sciences
Classification: Likely benign for DNAH17-related condition. Last evaluated: 2019-05-01. Review status: no assertion criteria provided. Collection method: clinical testing. Allele origin: germline.
Comment: This variant is classified as likely benign based on ACMG/AMP sequence variant interpretation guidelines (Richards et al. 2015 PMID: 25741868, with internal and published modifications).